The following is an entry in ClinVar:

NM_013266.4(CTNNA3):c.2033C>T (p.Ala678Val)

Gene: CTNNA3 (catenin alpha 3; minus strand). Cytogenetic location: 10q21.3.
Variant type: single nucleotide variant.
Coding change: c.2033C>T on transcript NM_013266.4 (MANE Select); coding-DNA position 2033, C replaced by T.
Protein change: p.Ala678Val; replaces alanine 678 with valine.
Molecular consequence: missense variant.
Genome position (GRCh38, 1-based): chr10:66,069,434, G>A on the plus strand (C>T on the coding strand, the complement: CTNNA3 is on the minus strand). VCF-style: chr10-66069434-G-A. GRCh37 (hg19) VCF-style: chr10-67829192-G-A.
Other names: c.2033C>T, p.Ala678Val (NM_001127384.3); short protein forms A678V.
Identifiers: ClinVar variation 3226231 (VCV003226231.2), dbSNP rs750846964, ClinGen allele CA5519716.

ClinVar aggregate classification (germline): Uncertain significance. Review status: criteria provided, multiple submitters, no conflicts (2 of 4 stars). 2 submissions from 2 submitters: Uncertain significance (2). Last evaluated 2025-03-19.

Conditions:
Arrhythmogenic right ventricular dysplasia 13. Also called: Arrhythmogenic right ventricular dysplasia, familial, 13; ARRHYTHMOGENIC RIGHT VENTRICULAR CARDIOMYOPATHY 13. Identifiers: MedGen C3810138, MONDO:0000908, OMIM 615616.

Allele frequency attached by ClinVar (database versions not stated): ExAC 0.00001; gnomAD 0.00001; gnomAD exomes 0.00001; TOPMed 0.00001; 1000 Genomes Project 30x 0.00016.
gnomAD v4.1: 12 of 1,613,344 alleles (0.00074%); highest among the groups gnomAD compares: East Asian, 0.0022%; no homozygotes.

Submissions (2):

Labcorp Genetics (formerly Invitae), Labcorp
Classification: Uncertain significance for Arrhythmogenic right ventricular dysplasia 13. Last evaluated: 2025-03-19. Review status: criteria provided, single submitter. Criteria: Invitae Variant Classification Sherloc (09022015). Collection method: clinical testing. Allele origin: germline.
Comment: This sequence change replaces alanine, which is neutral and non-polar, with valine, which is neutral and non-polar, at codon 678 of the CTNNA3 protein (p.Ala678Val). The frequency data for this variant in the population databases is considered unreliable, as metrics indicate poor data quality at this position in the gnomAD database. This variant has not been reported in the literature in individuals affected with CTNNA3-related conditions. ClinVar contains an entry for this variant (Variation ID: 3226231). Invitae Evidence Modeling of protein sequence and biophysical properties (such as structural, functional, and spatial information, amino acid conservation, physicochemical variation, residue mobility, and thermodynamic stability) indicates that this missense variant is not expected to disrupt CTNNA3 protein function with a negative predictive value of 80%. In summary, the available evidence is currently insufficient to determine the role of this variant in disease. Therefore, it has been classified as a Variant of Uncertain Significance.

Ambry Genetics
Classification: Uncertain significance. Last evaluated: 2024-02-09. Review status: criteria provided, single submitter. Criteria: Ambry Variant Classification Scheme 2023. Collection method: clinical testing. Allele origin: germline.
Comment: The p.A678V variant (also known as c.2033C>T), located in coding exon 14 of the CTNNA3 gene, results from a C to T substitution at nucleotide position 2033. The alanine at codon 678 is replaced by valine, an amino acid with similar properties. This amino acid position is conserved. In addition, this alteration is predicted to be tolerated by in silico analysis. Based on the available evidence, the clinical significance of this alteration remains unclear.